The following is an entry in ClinVar:

NM_006348.5(COG5):c.1471G>A (p.Ala491Thr)

Gene: COG5 (component of oligomeric golgi complex 5; minus strand). Cytogenetic location: 7q22.3.
Variant type: single nucleotide variant.
Coding change: c.1471G>A on transcript NM_006348.5 (MANE Select); coding-DNA position 1471, G replaced by A.
Protein change: p.Ala491Thr; replaces alanine 491 with threonine.
Molecular consequence: missense variant. On other transcripts: intron variant (1).
Genome position (GRCh38, 1-based): chr7:107,283,575, C>T on the plus strand (G>A on the coding strand, the complement: COG5 is on the minus strand). VCF-style: chr7-107283575-C-T. GRCh37 (hg19) VCF-style: chr7-106924020-C-T.
Other names: c.1471G>A, p.Ala491Thr (NM_001161520.2, NM_001379512.1, NM_001379513.1 and 2 more transcripts); c.901G>A, p.Ala301Thr (NM_001379515.1); c.757G>A, p.Ala253Thr (NM_001379516.1); c.1314-2176G>A (NM_001379511.1); short protein forms A253T, A301T, A491T.
Identifiers: ClinVar variation 1713459 (VCV001713459.5), dbSNP rs1562949825, ClinGen allele CA368938026.

ClinVar aggregate classification (germline): Uncertain significance (1 of 4 stars; one submission).

Conditions:
COG5-congenital disorder of glycosylation. Also called: CONGENITAL DISORDER OF GLYCOSYLATION, TYPE IIi; CDG IIi; COG5-CDG. Identifiers: Orphanet 263487, MedGen C3150876, MONDO:0013325, OMIM 613612.

gnomAD v4.1: 1 of 1,613,644 alleles (0.000062%); highest among the groups gnomAD compares: East Asian, 0.0022%; no homozygotes.

Submission:

Labcorp Genetics (formerly Invitae), Labcorp
Classification: Uncertain significance for COG5-congenital disorder of glycosylation. Last evaluated: 2022-07-23. Review status: criteria provided, single submitter. Criteria: Invitae Variant Classification Sherloc (09022015). Collection method: clinical testing. Allele origin: germline.
Comment: This sequence change replaces alanine, which is neutral and non-polar, with threonine, which is neutral and polar, at codon 522 of the COG5 protein (p.Ala522Thr). This variant is present in population databases (no rsID available, gnomAD 0.006%). This variant has not been reported in the literature in individuals affected with COG5-related conditions. Algorithms developed to predict the effect of missense changes on protein structure and function output the following: SIFT: "Tolerated"; PolyPhen-2: "Benign"; Align-GVGD: "Class C0". The threonine amino acid residue is found in multiple mammalian species, which suggests that this missense change does not adversely affect protein function. In summary, the available evidence is currently insufficient to determine the role of this variant in disease. Therefore, it has been classified as a Variant of Uncertain Significance.